The following is an entry in ClinVar:

NM_000091.5(COL4A3):c.3638G>A (p.Gly1213Glu)

Genes: COL4A3 (collagen type IV alpha 3 chain; plus strand), MFF-DT (MFF divergent transcript; minus strand). Cytogenetic location: 2q36.3.
Variant type: single nucleotide variant.
Coding change: c.3638G>A on transcript NM_000091.5 (MANE Select); coding-DNA position 3638, G replaced by A.
Protein change: p.Gly1213Glu; replaces glycine 1213 with glutamic acid.
Molecular consequence: missense variant.
Genome position (GRCh38, 1-based): chr2:227,297,746, G>A. VCF-style: chr2-227297746-G-A. GRCh37 (hg19) VCF-style: chr2-228162462-G-A.
Other names: p.(Gly1213Glu); short protein forms G1213E.
Identifiers: ClinVar variation 4853864 (VCV004853864.1).

ClinVar aggregate classification (germline): Likely pathogenic (1 of 4 stars; one submission).

Conditions:
Autosomal dominant Alport syndrome (ATS3A). Also called: ALPORT SYNDROME 3A, AUTOSOMAL DOMINANT; Alport syndrome dominant type; Renal failure and sensorineural hearing loss. Identifiers: Orphanet 63, Orphanet 88918, MedGen C5882663, MONDO:0007086, OMIM 104200.

Submission:

Centre de Génétique Humaine, Institut de Pathologie Et de Génétique
Classification: Likely pathogenic for Autosomal dominant Alport syndrome. Last evaluated: 2026-03-13. Review status: criteria provided, single submitter. Criteria: ACMG Guidelines, 2015. Collection method: clinical testing. Allele origin: germline. Inheritance: Autosomal dominant inheritance. Affected: yes. Observed: 1 variant allele, 1 heterozygote. Segregation with disease observed.
Comment: This missense variant involves a highly conserved glycine located in a ‘Gly-X-Y’ motif in collagenous region, which is characteristic of the pathogenic variants identified in the COL4A3 gene (PM1,PP2). This variant is rare: absent in gnomAD v4.1.0 database (PM2); In silico analysis supports that this missense variant has a deleterious effect (PP3). Another missense variant affecting the same residue described as LP : c.3637G>C, p.Gly1213Arg , PMID: 39810285 (PM5).